The following is an entry in ClinVar:

NM_001379500.1(COL18A1):c.107-12699C>G

Gene: COL18A1 (collagen type XVIII alpha 1 chain; plus strand). Cytogenetic location: 21q22.3.
Variant type: single nucleotide variant.
Coding change: c.107-12699C>G on transcript NM_001379500.1 (MANE Select); 12699 bases into the intron before coding-DNA position 107, C replaced by G.
Molecular consequence: intron variant. On other transcripts: missense variant (2).
Genome position (GRCh38, 1-based): chr21:45,455,543, C>G. VCF-style: chr21-45455543-C-G. GRCh37 (hg19) VCF-style: chr21-46875457-C-G.
Other names: c.13C>G, p.Pro5Ala (NM_030582.4, NM_130444.3); short protein forms P5A.
Identifiers: ClinVar variation 1442651 (VCV001442651.3), dbSNP rs1366656695, ClinGen allele CA410504950.
Genomic context (GRCh38, chr21:45,455,543, plus strand): 5'-AGGCACAGAGGCCCTCCCGCCGCCCGCAGCTCCAGCCGCACTGCCCCGATGGCTCCCTAC[C>G]CCTGTGGCTGCCACATCCTGCTGCTGCTCTTCTGCTGCCTGGCGGCTGCCCGGGCCAACC-3'

ClinVar aggregate classification (germline): Uncertain significance (1 of 4 stars; one submission).

Allele frequency attached by ClinVar (database versions not stated): gnomAD 0.00003.
gnomAD v4.1: 7 of 1,613,294 alleles (0.00043%); highest among the groups gnomAD compares: Non-Finnish European, 0.00059%; no homozygotes.

Submission:

Labcorp Genetics (formerly Invitae), Labcorp
Classification: Uncertain significance. Last evaluated: 2022-07-29. Review status: criteria provided, single submitter. Criteria: Invitae Variant Classification Sherloc (09022015). Collection method: clinical testing. Allele origin: germline.
Comment: The COL18A1 gene has multiple clinically relevant transcripts. This variant occurs in alternate transcript NM_030582.4, and corresponds to NM_130445.2:c.107-12699C>G in the primary transcript. This sequence change replaces proline, which is neutral and non-polar, with alanine, which is neutral and non-polar, at codon 5 of the COL18A1 protein (p.Pro5Ala). This variant is present in population databases (no rsID available, gnomAD 0.002%). This variant has not been reported in the literature in individuals affected with COL18A1-related conditions. ClinVar contains an entry for this variant (Variation ID: 1442651). Experimental studies and prediction algorithms are not available or were not evaluated, and the functional significance of this variant is currently unknown. In summary, the available evidence is currently insufficient to determine the role of this variant in disease. Therefore, it has been classified as a Variant of Uncertain Significance.